The following is an entry in ClinVar:

ClinVar aggregate classification (germline): Benign. Review status: criteria provided, multiple submitters, no conflicts (2 of 4 stars). 2 submissions from 2 submitters: Benign (2). Last evaluated 2018-06-14.

Allele frequency attached by ClinVar (database versions not stated): gnomAD 0.14805 and 0.14399; TOPMed 0.14924; ESP Exome Variant Server 0.15993; gnomAD exomes 0.10130 and 0.10830; ExAC 0.10680; 1000 Genomes Project 0.13458; 1000 Genomes Project 30x 0.14007.

Submissions (2):

GeneDx
Classification: Benign. Last evaluated: 2018-06-14. Review status: criteria provided, single submitter. Criteria: GeneDx Variant Classification (06012015). Collection method: clinical testing. Allele origin: germline. Affected: yes.
Comment: This variant is considered likely benign or benign based on one or more of the following criteria: it is a conservative change, it occurs at a poorly conserved position in the protein, it is predicted to be benign by multiple in silico algorithms, and/or has population frequency not consistent with disease.

Breakthrough Genomics
Classification: Benign. Review status: criteria provided, single submitter. Criteria: ACMG Guidelines, 2015. Collection method: not provided. Allele origin: germline. Inheritance: Autosomal recessive inheritance. Affected: yes.

NM_133261.3(GIPC3):c.593-28T>C

Gene: GIPC3 (GIPC PDZ domain containing family member 3; plus strand). Cytogenetic location: 19p13.3.
Variant type: single nucleotide variant.
Coding change: c.593-28T>C on transcript NM_133261.3 (MANE Select); 28 bases into the intron before coding-DNA position 593, T replaced by C.
Molecular consequence: intron variant.
Genome position (GRCh38, 1-based): chr19:3,589,415, T>C. VCF-style: chr19-3589415-T-C. GRCh37 (hg19) VCF-style: chr19-3589413-T-C.
Identifiers: ClinVar variation 682948 (VCV000682948.2), dbSNP rs10406702, ClinGen allele CA9080460.